The following is an entry in ClinVar:

ClinVar aggregate classification (germline): Uncertain significance (1 of 4 stars; one submission).

Submission:

GeneDx
Classification: Uncertain significance. Last evaluated: 2023-11-15. Review status: criteria provided, single submitter. Criteria: GeneDx Variant Classification Process June 2021. Collection method: clinical testing. Allele origin: germline. Affected: yes.
Comment: Not observed at significant frequency in large population cohorts (gnomAD); In silico analysis supports that this missense variant has a deleterious effect on protein structure/function; Has not been previously published as pathogenic or benign to our knowledge

NM_005085.4(NUP214):c.2014C>G (p.Pro672Ala)

Gene: NUP214 (nucleoporin 214; plus strand). Cytogenetic location: 9q34.13.
Variant type: single nucleotide variant.
Coding change: c.2014C>G on transcript NM_005085.4 (MANE Select); coding-DNA position 2014, C replaced by G.
Protein change: p.Pro672Ala; replaces proline 672 with alanine.
Molecular consequence: missense variant.
Genome position (GRCh38, 1-based): chr9:131,147,558, C>G. VCF-style: chr9-131147558-C-G. GRCh37 (hg19) VCF-style: chr9-134022945-C-G.
Other names: c.1984C>G, p.Pro662Ala (NM_001318324.2); short protein forms P662A, P672A.
Identifiers: ClinVar variation 3364390 (VCV003364390.1).